The following is an entry in ClinVar:

NM_020937.4(FANCM):c.427A>G (p.Thr143Ala)

Gene: FANCM (FA complementation group M; plus strand). Cytogenetic location: 14q21.2.
Variant type: single nucleotide variant.
Coding change: c.427A>G on transcript NM_020937.4 (MANE Select); coding-DNA position 427, A replaced by G.
Protein change: p.Thr143Ala; replaces threonine 143 with alanine.
Molecular consequence: missense variant.
Genome position (GRCh38, 1-based): chr14:45,136,458, A>G. VCF-style: chr14-45136458-A-G. GRCh37 (hg19) VCF-style: chr14-45605661-A-G.
Other names: c.427A>G (NM_020937.3); c.427A>G, p.Thr143Ala (NM_001308133.2, NM_001308134.2); short protein forms T143A.
Identifiers: ClinVar variation 2166148 (VCV002166148.5), dbSNP rs775186162, ClinGen allele CA7168761.

ClinVar aggregate classification (germline): Uncertain significance. Review status: criteria provided, multiple submitters, no conflicts (2 of 4 stars). 2 submissions from 2 submitters: Uncertain significance (2). Last evaluated 2023-08-24.

Conditions:
Fanconi anemia (FA). Also called: Fanconi's anemia. Identifiers: Orphanet 84, MedGen C0015625, MeSH D005199, MONDO:0019391.

Allele frequency attached by ClinVar (database versions not stated): TOPMed below 0.00001; ExAC 0.00001; gnomAD 0.00001.
gnomAD v4.1: 7 of 1,614,076 alleles (0.00043%); highest among the groups gnomAD compares: Admixed American, 0.0033%; no homozygotes.

Submissions (2):

Quest Diagnostics Nichols Institute San Juan Capistrano
Classification: Uncertain significance. Last evaluated: 2023-08-24. Review status: criteria provided, single submitter. Criteria: Quest Diagnostics criteria. Collection method: clinical testing. Allele origin: unknown.
Comment: In a large-scale breast cancer association study, the variant was observed in an individual with breast cancer (PMID: 33471991 (2021), see also LOVD). The frequency of this variant in the general population, 0.000012 (3/250860 chromosomes (Genome Aggregation Database)), is uninformative in the assessment of its pathogenicity. Analysis of this variant using bioinformatics tools for the prediction of the effect of amino acid changes on protein structure and function yielded predictions that this variant is damaging. Based on the available information, we are unable to determine the clinical significance of this variant.

Labcorp Genetics (formerly Invitae), Labcorp
Classification: Uncertain significance for Fanconi anemia. Last evaluated: 2022-10-23. Review status: criteria provided, single submitter. Criteria: Invitae Variant Classification Sherloc (09022015). Collection method: clinical testing. Allele origin: germline.
Comment: In summary, the available evidence is currently insufficient to determine the role of this variant in disease. Therefore, it has been classified as a Variant of Uncertain Significance. Algorithms developed to predict the effect of missense changes on protein structure and function are either unavailable or do not agree on the potential impact of this missense change (SIFT: "Deleterious"; PolyPhen-2: "Probably Damaging"; Align-GVGD: "Class C0"). This variant has not been reported in the literature in individuals affected with FANCM-related conditions. This variant is present in population databases (rs775186162, gnomAD 0.006%). This sequence change replaces threonine, which is neutral and polar, with alanine, which is neutral and non-polar, at codon 143 of the FANCM protein (p.Thr143Ala).

Literature cited by the submitters: PubMed 33471991 (cited by Quest Diagnostics Nichols Institute San Juan Capistrano).